The following is an entry in ClinVar:

NM_001379110.1(SLC9A6):c.1551-98T>G

Gene: SLC9A6 (solute carrier family 9 member A6; plus strand). Cytogenetic location: Xq26.3.
Variant type: single nucleotide variant.
Coding change: c.1551-98T>G on transcript NM_001379110.1 (MANE Select); 98 bases into the intron before coding-DNA position 1551, T replaced by G.
Molecular consequence: intron variant.
Genome position (GRCh38, 1-based): chrX:136,030,034, T>G. VCF-style: chrX-136030034-T-G. GRCh37 (hg19) VCF-style: chrX-135112193-T-G.
Other names: c.1617-98T>G (NM_001042537.2); c.1521-98T>G (NM_006359.3); c.1461-98T>G (NM_001177651.2); c.1365-98T>G (NM_001330652.2).
Identifiers: ClinVar variation 675209 (VCV000675209.2), dbSNP rs2279595, ClinGen allele CA336249214.

ClinVar aggregate classification (germline): Likely benign. Review status: criteria provided, multiple submitters, no conflicts (2 of 4 stars). 2 submissions from 2 submitters: Likely benign (2). Last evaluated 2018-06-14.

Allele frequency attached by ClinVar (database versions not stated): TOPMed 0.01836; gnomAD 0.02267; gnomAD exomes 0.03400; 1000 Genomes Project 30x 0.04703; 1000 Genomes Project 0.04980.
gnomAD v4.1: 26,406 of 818,578 alleles (3.2%); highest among the groups gnomAD compares: South Asian, 11%; 418 homozygotes.

Submissions (2):

GeneDx
Classification: Likely benign. Last evaluated: 2018-06-14. Review status: criteria provided, single submitter. Criteria: GeneDx Variant Classification (06012015). Collection method: clinical testing. Allele origin: germline. Affected: yes.
Comment: This variant is considered likely benign or benign based on one or more of the following criteria: it is a conservative change, it occurs at a poorly conserved position in the protein, it is predicted to be benign by multiple in silico algorithms, and/or has population frequency not consistent with disease.

Breakthrough Genomics
Classification: Likely benign. Review status: criteria provided, single submitter. Criteria: ACMG Guidelines, 2015. Collection method: not provided. Allele origin: germline. Inheritance: X-linked inheritance. Affected: yes.